The following is an entry in ClinVar:

ClinVar aggregate classification (germline): Uncertain significance (1 of 4 stars; one submission).

Conditions:
Tuberous sclerosis syndrome (TSC). Also called: Tuberous Sclerosis Complex; Tuberous sclerosis. Identifiers: Orphanet 805, MedGen C0041341, MONDO:0001734.

Submission:

Color Diagnostics, LLC DBA Color Health
Classification: Uncertain significance for Tuberous sclerosis syndrome. Last evaluated: 2025-08-30. Review status: criteria provided, single submitter. Criteria: ACMG Guidelines, 2015. Collection method: clinical testing. Allele origin: germline.
Comment: This variant is located in the TSC1 protein. To our knowledge, functional studies have not been reported for this variant. This variant has not been reported in individuals affected with TSC1-related disorders in the literature. This variant has not been identified in the general population by the Genome Aggregation Database (gnomAD). The available evidence is insufficient to determine the role of this variant in disease conclusively. Therefore, this variant is classified as a Variant of Uncertain Significance.

NM_000368.5(TSC1):c.2163C>A (p.Arg721=)

Gene: TSC1 (TSC complex subunit 1; minus strand). Cytogenetic location: 9q34.13.
Variant type: single nucleotide variant.
Coding change: c.2163C>A on transcript NM_000368.5 (MANE Select); coding-DNA position 2163, C replaced by A.
Protein change: p.Arg721=; no amino-acid change (arginine 721 retained).
Molecular consequence: synonymous variant. On other transcripts: non-coding transcript variant (4).
Genome position (GRCh38, 1-based): chr9:132,903,696, G>T on the plus strand (C>A on the coding strand, the complement: TSC1 is on the minus strand). VCF-style: chr9-132903696-G-T. GRCh37 (hg19) VCF-style: chr9-135779083-G-T.
Other names: c.2163C>A, p.Arg721= (NM_001406607.1, NM_001406592.1, NM_001406593.1 and 5 more transcripts); c.2160C>A, p.Arg720= (NM_001406608.1, NM_001406609.1, NM_001162426.2 and 4 more transcripts); c.2010C>A, p.Arg670= (NM_001406610.1, NM_001162427.2); c.2007C>A, p.Arg669= (NM_001406611.1, NM_001406612.1, NM_001406613.1); c.1800C>A, p.Arg600= (NM_001406614.1, NM_001406615.1, NM_001406616.1 and 5 more transcripts); c.1797C>A, p.Arg599= (NM_001406620.1, NM_001406621.1, NM_001406622.1 and 2 more transcripts); c.1212C>A, p.Arg404= (NM_001406626.1); c.1209C>A, p.Arg403= (NM_001406627.1, NM_001406628.1); and 3 more.
Identifiers: ClinVar variation 4757938 (VCV004757938.1).